The following is an entry in ClinVar:

ClinVar aggregate classification (germline): Likely benign. Review status: criteria provided, multiple submitters, no conflicts (2 of 4 stars). 3 submissions from 3 submitters: Likely benign (3). Last evaluated 2025-10-21.

Conditions:
FBN2-related disorder. Also called: FBN2-related condition.
Familial thoracic aortic aneurysm and aortic dissection (TAAD). Also called: Thoracic aortic aneurysms and dissections. Identifiers: Orphanet 91387, MedGen C4707243, MONDO:0019625.
Congenital contractural arachnodactyly (CCA). Also called: Beals-Hecht syndrome; BEALS SYNDROME; Arthrogryposis, distal, type 9. Identifiers: Orphanet 115, MedGen C0220668, MONDO:0007363, OMIM 121050.

Allele frequency attached by ClinVar (database versions not stated): ExAC 0.00002; gnomAD exomes 0.00002; ESP Exome Variant Server 0.00008.
gnomAD v4.1: 38 of 1,614,064 alleles (0.0024%); highest among the groups gnomAD compares: Non-Finnish European, 0.0027%; no homozygotes.

Submissions (3):

Labcorp Genetics (formerly Invitae), Labcorp
Classification: Likely benign for Congenital contractural arachnodactyly. Last evaluated: 2025-10-21. Review status: criteria provided, single submitter. Criteria: Invitae Variant Classification Sherloc (09022015). Collection method: clinical testing. Allele origin: germline.

PreventionGenetics, part of Exact Sciences
Classification: Likely benign for FBN2-related condition. Last evaluated: 2025-03-05. Review status: criteria provided, single submitter. Criteria: ACMG Guidelines, 2015. Collection method: clinical testing. Allele origin: germline.
Comment: This variant is classified as likely benign based on ACMG/AMP sequence variant interpretation guidelines (Richards et al. 2015 PMID: 25741868, with internal and published modifications).

Ambry Genetics
Classification: Likely benign for Familial thoracic aortic aneurysm and aortic dissection. Last evaluated: 2023-03-18. Review status: criteria provided, single submitter. Criteria: Ambry Variant Classification Scheme 2023. Collection method: clinical testing. Allele origin: germline.

NM_001999.4(FBN2):c.2466T>C (p.Asp822=)

Gene: FBN2 (fibrillin 2; minus strand). Cytogenetic location: 5q23.3.
Variant type: single nucleotide variant.
Coding change: c.2466T>C on transcript NM_001999.4 (MANE Select); coding-DNA position 2466, T replaced by C.
Protein change: p.Asp822=; no amino-acid change (aspartic acid 822 retained).
Molecular consequence: synonymous variant.
Genome position (GRCh38, 1-based): chr5:128,361,811, A>G on the plus strand (T>C on the coding strand, the complement: FBN2 is on the minus strand). VCF-style: chr5-128361811-A-G. GRCh37 (hg19) VCF-style: chr5-127697504-A-G.
Other names: c.2466T>C (NM_001999.3).
Identifiers: ClinVar variation 2069180 (VCV002069180.7), dbSNP rs200881643, ClinGen allele CA3395536.